The following is an entry in ClinVar:

ClinVar aggregate classification (germline): Likely pathogenic (1 of 4 stars; one submission).

Submission:

Labcorp Genetics (formerly Invitae), Labcorp
Classification: Likely pathogenic. Last evaluated: 2025-11-24. Review status: criteria provided, single submitter. Criteria: Invitae Variant Classification Sherloc (09022015). Collection method: clinical testing. Allele origin: germline.
Comment: This sequence change affects a donor splice site in intron 10 of the POLE gene. It is expected to disrupt RNA splicing. Variants that disrupt the donor or acceptor splice site typically lead to a loss of protein function (PMID: 16199547), and loss-of-function variants in POLE are known to be pathogenic (PMID: 23230001, 25948378, 30503519). This variant is not present in population databases (gnomAD no frequency). This variant has not been reported in the literature in individuals affected with POLE-related conditions. Algorithms developed to predict the effect of sequence changes on RNA splicing suggest that this variant may disrupt the consensus splice site. In summary, the currently available evidence indicates that the variant is pathogenic, but additional data are needed to prove that conclusively. Therefore, this variant has been classified as Likely Pathogenic.

Literature cited by the submitters: PubMed 16199547; PubMed 23230001; PubMed 25948378; PubMed 30503519.

NM_006231.4(POLE):c.1020+1G>A

Gene: POLE (DNA polymerase epsilon, catalytic subunit; minus strand). Cytogenetic location: 12q24.33.
Variant type: single nucleotide variant.
Coding change: c.1020+1G>A on transcript NM_006231.4 (MANE Select); the canonical splice donor site of the intron after coding-DNA position 1020, G replaced by A.
Molecular consequence: splice donor variant.
Genome position (GRCh38, 1-based): chr12:132,676,093, C>T on the plus strand (G>A on the coding strand, the complement: POLE is on the minus strand). VCF-style: chr12-132676093-C-T. GRCh37 (hg19) VCF-style: chr12-133252679-C-T.
Identifiers: ClinVar variation 4731848 (VCV004731848.1).
Genomic context (GRCh38, chr12:132,676,093, plus strand): 5'-AAGATCCACATGTCCGTTCTTCCCACAATACCGGGTAGTTTCCCAAGTGATACCTCCTTA[C>T]CTCATCGGGTTCATTGAAGACACAAAAGGGGCCTTCATATTCTGGCTTGGGGGTGAACTC-3'